The following is an entry in ClinVar:

NC_000012.12:g.121641225C>A

Gene: ORAI1 (ORAI calcium release-activated calcium modulator 1; plus strand). Cytogenetic location: 12q24.31.
Variant type: single nucleotide variant.
Molecular consequence: non-coding transcript variant (on NR_186857.1).
Genome position: GRCh38 VCF-style: chr12-121641225-C-A. GRCh37 (hg19) VCF-style: chr12-122079131-C-A.
Identifiers: ClinVar variation 4784014 (VCV004784014.1).

ClinVar aggregate classification (germline): Uncertain significance (1 of 4 stars; one submission).

Conditions:
Myopathy, tubular aggregate, 2 (TAM2). Identifiers: MedGen C4014557, MONDO:0014383, OMIM 615883.
Combined immunodeficiency due to ORAI1 deficiency. Also called: IMMUNODEFICIENCY 9. Identifiers: Orphanet 169090, Orphanet 317428, MedGen C2748568, MONDO:0013007, OMIM 612782.

Submission:

Labcorp Genetics (formerly Invitae), Labcorp
Classification: Uncertain significance for Myopathy, tubular aggregate, 2; Combined immunodeficiency due to ORAI1 deficiency. Last evaluated: 2025-03-10. Review status: criteria provided, single submitter. Criteria: Invitae Variant Classification Sherloc (09022015). Collection method: clinical testing. Allele origin: germline.
Comment: This sequence change replaces serine, which is neutral and polar, with tyrosine, which is neutral and polar, at codon 163 of the ORAI1 protein (p.Ser163Tyr). This variant is not present in population databases (gnomAD no frequency). This variant has not been reported in the literature in individuals affected with ORAI1-related conditions. Experimental studies and prediction algorithms are not available or were not evaluated, and the functional significance of this variant is currently unknown. In summary, the available evidence is currently insufficient to determine the role of this variant in disease. Therefore, it has been classified as a Variant of Uncertain Significance.